The following is an entry in ClinVar:

NC_000012.11:g.(?_95365108)_(95397474_?)dup

Gene: NDUFA12 (NADH:ubiquinone oxidoreductase subunit A12; minus strand). Cytogenetic location: 12q22.
Variant type: Duplication.
Identifiers: ClinVar variation 3251874 (VCV003251874.1).

ClinVar aggregate classification (germline): Uncertain significance (1 of 4 stars; one submission).

Submission:

Women's Health and Genetics/Laboratory Corporation of America, LabCorp
Classification: Uncertain significance. Last evaluated: 2024-04-18. Review status: criteria provided, single submitter. Criteria: LabCorp Variant Classification Summary - May 2015. Collection method: clinical testing. Allele origin: germline.
Comment: Variant summary: The variant involves the duplication of exons 1-4 in the NDUFA12 gene. A presumed nomenclature of c.(?_-18)_(*108_?)dup has been designated for the purposes of this classification. This duplication includes the entire coding sequence of the gene. As exact breakpoints are unknown, it may extend beyond the annotated region of the gene, to include other flanking genes. The variant was absent in 21686 control chromosomes in the gnomAD database (Structural Variants v2.1 dataset). The available data on variant occurrences in the general population are insufficient to allow any conclusion about variant significance. To our knowledge, no occurrence of c.(?_-18)_(*108_?)dup in individuals affected with Mitochondrial Complex 1 Deficiency, Nuclear Type 23 and no experimental evidence demonstrating its impact on protein function have been reported. No submitters have cited clinical-significance assessments for this variant to ClinVar. Based on the evidence outlined above, the variant was classified as uncertain significance.